The following is an entry in ClinVar:

NM_004006.3(DMD):c.5693A>G (p.Lys1898Arg)

Gene: DMD (dystrophin; minus strand). Cytogenetic location: Xp21.1.
Variant type: single nucleotide variant.
Coding change: c.5693A>G on transcript NM_004006.3 (MANE Select); coding-DNA position 5693, A replaced by G.
Protein change: p.Lys1898Arg; replaces lysine 1898 with arginine.
Molecular consequence: missense variant.
Genome position (GRCh38, 1-based): chrX:32,343,180, T>C on the plus strand (A>G on the coding strand, the complement: DMD is on the minus strand). VCF-style: chrX-32343180-T-C. GRCh37 (hg19) VCF-style: chrX-32361297-T-C.
Other names: c.5669A>G, p.Lys1890Arg (NM_000109.4); c.5681A>G, p.Lys1894Arg (NM_004009.3); c.5324A>G, p.Lys1775Arg (NM_004010.3); c.1670A>G, p.Lys557Arg (NM_004011.4); c.1661A>G, p.Lys554Arg (NM_004012.4); short protein forms K1775R, K1894R, K1890R, K554R, K557R, K1898R.
Identifiers: ClinVar variation 1401542 (VCV001401542.8), dbSNP rs794727662, ClinGen allele CA412665794.

ClinVar aggregate classification (germline): Uncertain significance. Review status: criteria provided, multiple submitters, no conflicts (2 of 4 stars). 2 submissions from 2 submitters: Uncertain significance (2). Last evaluated 2024-08-14.

Conditions:
Duchenne muscular dystrophy (DMD). Also called: MUSCULAR DYSTROPHY, PSEUDOHYPERTROPHIC PROGRESSIVE, DUCHENNE TYPE; Duchenne Muscular Dystrophy (DMD). Identifiers: Orphanet 98896, MedGen C0013264, MONDO:0010679, OMIM 310200.

Allele frequency attached by ClinVar (database versions not stated): gnomAD exomes below 0.00001.
gnomAD v4.1: 1 of 1,211,220 alleles (0.000083%); highest among the groups gnomAD compares: Non-Finnish European, 0.00011%; no homozygotes.

Submissions (2):

Labcorp Genetics (formerly Invitae), Labcorp
Classification: Uncertain significance for Duchenne muscular dystrophy. Last evaluated: 2024-08-14. Review status: criteria provided, single submitter. Criteria: Invitae Variant Classification Sherloc (09022015). Collection method: clinical testing. Allele origin: germline.
Comment: This sequence change replaces lysine, which is basic and polar, with arginine, which is basic and polar, at codon 1898 of the DMD protein (p.Lys1898Arg). This variant is not present in population databases (gnomAD no frequency). This variant has not been reported in the literature in individuals affected with DMD-related conditions. ClinVar contains an entry for this variant (Variation ID: 1401542). Invitae Evidence Modeling of protein sequence and biophysical properties (such as structural, functional, and spatial information, amino acid conservation, physicochemical variation, residue mobility, and thermodynamic stability) indicates that this missense variant is not expected to disrupt DMD protein function with a negative predictive value of 95%. In summary, the available evidence is currently insufficient to determine the role of this variant in disease. Therefore, it has been classified as a Variant of Uncertain Significance.

Mendelics
Classification: Uncertain significance. Last evaluated: 2022-05-04. Review status: criteria provided, single submitter. Criteria: Mendelics Assertion Criteria 2019. Collection method: clinical testing. Allele origin: germline.